The following is an entry in ClinVar:

ClinVar aggregate classification (germline): Likely benign. Review status: criteria provided, multiple submitters, no conflicts (2 of 4 stars). 2 submissions from 2 submitters: Likely benign (2). Last evaluated 2025-05-28.

Conditions:
Familial adenomatous polyposis 1 (FAP1). Also called: FAMILIAL ADENOMATOUS POLYPOSIS 1, ATTENUATED; POLYPOSIS, ADENOMATOUS INTESTINAL. Identifiers: MedGen C2713442, MONDO:0021056, OMIM 175100. Disease mechanism: loss of function.

Submissions (2):

Labcorp Genetics (formerly Invitae), Labcorp
Classification: Likely benign for Familial adenomatous polyposis 1. Last evaluated: 2025-05-28. Review status: criteria provided, single submitter. Criteria: Invitae Variant Classification Sherloc (09022015). Collection method: clinical testing. Allele origin: germline.

Myriad Genetics, Inc.
Classification: Likely benign for Familial adenomatous polyposis 1. Last evaluated: 2024-03-01. Review status: criteria provided, single submitter. Criteria: Myriad Autosomal Dominant, Autosomal Recessive and X-Linked Classification Criteria (2023). Collection method: clinical testing. Allele origin: unknown.
Comment: This variant is considered likely benign. This variant is intronic and is not expected to impact mRNA splicing.

NM_000038.6(APC):c.1312+10C>A

Gene: APC (APC regulator of Wnt signaling pathway; plus strand). Cytogenetic location: 5q22.2.
Variant type: single nucleotide variant.
Coding change: c.1312+10C>A on transcript NM_000038.6 (MANE Select); 10 bases into the intron after coding-DNA position 1312, C replaced by A.
Molecular consequence: intron variant.
Genome position (GRCh38, 1-based): chr5:112,819,354, C>A. VCF-style: chr5-112819354-C-A. GRCh37 (hg19) VCF-style: chr5-112155051-C-A.
Other names: c.1312+10C>A (NM_001354895.2, NM_001127510.3, NM_001354896.2); c.1342+10C>A (NM_001354897.2); c.1039+10C>A (NM_001354902.2); c.1258+10C>A (NM_001127511.3); c.1237+10C>A (NM_001354898.2); c.934+10C>A (NM_001354904.2); c.463+10C>A (NM_001354906.2); c.1009+10C>A (NM_001354903.2); and 3 more.
Identifiers: ClinVar variation 1108955 (VCV001108955.11), dbSNP rs2149784324, ClinGen allele CA2499217431.